The following is an entry in ClinVar:

NR_001566.3(TERC):n.429dup

Gene: TERC (telomerase RNA component; minus strand). Cytogenetic location: 3q26.2.
Variant type: Duplication.
Genome position: GRCh38 VCF-style: chr3-169764629-T-TG. GRCh37 (hg19) VCF-style: chr3-169482417-T-TG.
Identifiers: ClinVar variation 1044504 (VCV001044504.8), dbSNP rs1777957000, ClinGen allele CA1419636249.
Genomic context (GRCh38, chr3:169,764,629, plus strand): 5'-GCGCACGATCGGCGTTCCCCCCACCAACAGGAAAGCGAACTGCATGTGTGAGCCGAGTCC[T>TG]GGGTGCACGTCCCACAGCTCAGGGAATCGCGCCGCGCGCGGGGACTCGCTCCGTTCCTCT-3'

ClinVar aggregate classification (germline): Uncertain significance (1 of 4 stars; one submission).

Conditions:
Dyskeratosis congenita, autosomal dominant 1 (DKCA1). Also called: Dyskeratosis congenita Scoggins type. Identifiers: Orphanet 1775, MedGen C4551974, MONDO:0007485, OMIM 127550. Inheritance: Variable.

Submission:

Labcorp Genetics (formerly Invitae), Labcorp
Classification: Uncertain significance for Dyskeratosis congenita, autosomal dominant 1. Last evaluated: 2020-09-10. Review status: criteria provided, single submitter. Criteria: Invitae Variant Classification Sherloc (09022015). Collection method: clinical testing. Allele origin: germline.
Comment: In summary, the available evidence is currently insufficient to determine the role of this variant in disease. Therefore, it has been classified as a Variant of Uncertain Significance. This variant occurs in the TERC gene, which encodes an RNA molecule that does not result in a protein product. This variant is not present in population databases (ExAC no frequency). This variant has not been reported in the literature in individuals with TERC-related conditions. This variant is located within the BoxH/ACA scaRNA domain of the TERC RNA component, which is required for telomerase activity (PMID: 21844345). Functional studies testing the effect of this variant on TERC secondary structure or function have not been reported.

Literature cited by the submitters: PubMed 21844345.